The following is an entry in ClinVar:

NM_052947.4(ALPK2):c.964T>C (p.Phe322Leu)

Genes: ALPK2 (alpha kinase 2; minus strand), LOC114803473 (ALPK2 eExon liver enhancer; plus strand). Cytogenetic location: 18q21.31.
Variant type: single nucleotide variant.
Coding change: c.964T>C on transcript NM_052947.4 (MANE Select); coding-DNA position 964, T replaced by C.
Protein change: p.Phe322Leu; replaces phenylalanine 322 with leucine.
Molecular consequence: missense variant.
Genome position (GRCh38, 1-based): chr18:58,579,812, A>G on the plus strand (T>C on the coding strand, the complement: ALPK2 is on the minus strand). VCF-style: chr18-58579812-A-G. GRCh37 (hg19) VCF-style: chr18-56247044-A-G.
Other names: short protein forms F322L.
Identifiers: ClinVar variation 1767678 (VCV001767678.2), dbSNP rs2051946634, ClinGen allele CA402566574.
Genomic context (GRCh38, chr18:58,579,812, plus strand): 5'-CATTAGAGTAATCCGTCATAACATCAGAACATTCCAGATACTCCAGGTCATCATCTGAAA[A>G]CTCCTCGGTGTAGGTTAGGGTTATCTCTGGGCAAAGTTCATAGTCACTGTCAGAGTCTTC-3'
Protein context (NP_443179.3, residues 312-332): PEITLTYTEE[Phe322Leu]SDDDLEYLEC

ClinVar aggregate classification (germline): Uncertain significance (1 of 4 stars; one submission).

Allele frequency attached by ClinVar (database versions not stated): gnomAD 0.00001.

Submission:

Ambry Genetics
Classification: Uncertain significance. Last evaluated: 2021-07-11. Review status: criteria provided, single submitter. Criteria: Ambry Variant Classification Scheme 2023. Collection method: clinical testing. Allele origin: germline.
Comment: The p.F322L variant (also known as c.964T>C), located in coding exon 3 of the ALPK2 gene, results from a T to C substitution at nucleotide position 964. The phenylalanine at codon 322 is replaced by leucine, an amino acid with highly similar properties. This amino acid position is conserved. In addition, this alteration is predicted to be tolerated by in silico analysis. Since supporting evidence is limited at this time, the clinical significance of this alteration remains unclear.